The following is an entry in ClinVar:

NM_198578.4(LRRK2):c.2841G>T (p.Lys947Asn)

Gene: LRRK2 (leucine rich repeat kinase 2; plus strand). Cytogenetic location: 12q12.
Variant type: single nucleotide variant.
Coding change: c.2841G>T on transcript NM_198578.4 (MANE Select); coding-DNA position 2841, G replaced by T.
Protein change: p.Lys947Asn; replaces lysine 947 with asparagine.
Molecular consequence: missense variant.
Genome position (GRCh38, 1-based): chr12:40,294,877, G>T. VCF-style: chr12-40294877-G-T. GRCh37 (hg19) VCF-style: chr12-40688679-G-T.
Other names: short protein forms K947N.
Identifiers: ClinVar variation 1796730 (VCV001796730.2), dbSNP rs1279187114, ClinGen allele CA384412209.

ClinVar aggregate classification (germline): Uncertain significance (1 of 4 stars; one submission).

Conditions:
Inborn genetic diseases. Identifiers: MedGen C0950123, MeSH D030342.

Submission:

Ambry Genetics
Classification: Uncertain significance for Inborn genetic diseases. Last evaluated: 2021-12-10. Review status: criteria provided, single submitter. Criteria: Ambry Variant Classification Scheme 2023. Collection method: clinical testing. Allele origin: germline.
Comment: The p.K947N variant (also known as c.2841G>T), located in coding exon 22 of the LRRK2 gene, results from a G to T substitution at nucleotide position 2841. The lysine at codon 947 is replaced by asparagine, an amino acid with similar properties. This amino acid position is conserved. In addition, this alteration is predicted to be tolerated by in silico analysis. Since supporting evidence is limited at this time, the clinical significance of this alteration remains unclear.